The following is an entry in ClinVar:

NM_001754.5(RUNX1):c.1432_1433del (p.Arg478fs)

Gene: RUNX1 (RUNX family transcription factor 1; minus strand). Cytogenetic location: 21q22.12.
Variant type: Deletion.
Coding change: c.1432_1433del on transcript NM_001754.5 (MANE Select); coding-DNA positions 1432 to 1433, 2 bases deleted (AG; older notation c.1432_1433delAG).
Protein change: p.Arg478fs; shifts the reading frame from arginine 478.
Molecular consequence: frameshift variant.
Genome position (GRCh38, 1-based): chr21:34,792,145-34,792,146, CT deleted on the plus strand (AG on the coding strand, the reverse complement: RUNX1 is on the minus strand); deleting any 2 consecutive bases within chr21:34,792,145-34,792,147 gives the same sequence; the c. name uses the placement nearest the transcript's 3' end. VCF-style (leftmost placement, unchanged base first): chr21-34792144-CCT-C. GRCh37 (hg19) VCF-style: chr21-36164441-CCT-C.
Other names: NM_001754.5(RUNX1):c.1432_1433del; p.Arg478fs; c.1351_1352del, p.Arg451fs (NM_001001890.3); short protein forms R478fs, R451fs.
Identifiers: ClinVar variation 2808406 (VCV002808406.5), dbSNP rs2516812393, ClinGen allele CA2739267603.

ClinVar aggregate classification (germline): Likely pathogenic. Review status: reviewed by expert panel (3 of 4 stars). 2 submissions from 2 submitters: Likely pathogenic (1). 1 of the submissions does not count toward it. Last evaluated 2026-10-05.

Conditions:
Hereditary thrombocytopenia and hematological cancer predisposition syndrome associated with RUNX1. Also called: PLATELET DISORDER, ASPIRIN-LIKE; Familial Platelet Disorder with Propensity to Acute Myelogenous Leukemia; Familial thrombocytopenia with propensity to acute myelogenous leukemia; RUNX1 Familial Platelet Disorder with Associated Myeloid Malignancies. Identifiers: Orphanet 71290, MedGen C1832388, MeSH C563324, MONDO:0100083, OMIM 601399.
Hereditary thrombocytopenia and hematologic cancer predisposition syndrome. Identifiers: Orphanet 71290, MedGen CN281654, MONDO:0011071.

Submissions (2):

ClinGen Myeloid Malignancy Variant Curation Expert Panel
Classification: Likely pathogenic for Hereditary thrombocytopenia and hematologic cancer predisposition syndrome. Last evaluated: 2026-10-05. Review status: reviewed by expert panel. Criteria: ClinGen MyeloMalig ACMG Specifications V3.1. Collection method: curation. Allele origin: germline. Inheritance: Autosomal dominant inheritance.
Comment: NM_001754.5(RUNX1):c.1432_1433del (p.Arg478AlafsTer?) is a frameshift variant which is not predicted to undergo NMD (PVS1_Strong). This variant is downstream of c.98 (PM5_Supporting) and is completely absent from all population databases with at least 20x coverage for RUNX1 (PM2_Supporting). In summary, this variant meets criteria to be classified as likely pathogenic. ACMG/AMP criteria applied, as specified by the ClinGen Myeloid Malignancy Variant Curation Expert Panel for RUNX1: PVS1_Strong, PM5_Supporting, PM2_Supporting.

Labcorp Genetics (formerly Invitae), Labcorp
Classification: Uncertain significance for Hereditary thrombocytopenia and hematological cancer predisposition syndrome associated with RUNX1. Last evaluated: 2022-11-22. Review status: criteria provided, single submitter. Criteria: Invitae Variant Classification Sherloc (09022015). Collection method: clinical testing. Allele origin: germline. Not counted in ClinVar's aggregate classification.
Comment: In summary, the available evidence is currently insufficient to determine the role of this variant in disease. Therefore, it has been classified as a Variant of Uncertain Significance. Experimental studies and prediction algorithms are not available or were not evaluated, and the functional significance of this variant is currently unknown. This variant has not been reported in the literature in individuals affected with RUNX1-related conditions. This variant is not present in population databases (gnomAD no frequency). This sequence change results in a frameshift in the RUNX1 gene (p.Arg478Alafs*121). While this is not anticipated to result in nonsense mediated decay, it is expected to disrupt the last 3 amino acid(s) of the RUNX1 protein and extend the protein by 117 additional amino acid residues.